The following is an entry in ClinVar:

ClinVar aggregate classification (germline): Uncertain significance (1 of 4 stars; one submission).

Conditions:
Familial cancer of breast. Also called: Hereditary breast cancer; BREAST CANCER, FAMILIAL; hereditary breast carcinoma. Identifiers: Orphanet 227535, MedGen C0346153, MONDO:0016419, OMIM 114480. Disease mechanism: loss of function.

Submission:

Labcorp Genetics (formerly Invitae), Labcorp
Classification: Uncertain significance for Familial cancer of breast. Last evaluated: 2020-05-21. Review status: criteria provided, single submitter. Criteria: Invitae Variant Classification Sherloc (09022015). Collection method: clinical testing. Allele origin: germline.
Comment: In summary, the available evidence is currently insufficient to determine the role of this variant in disease. Therefore, it has been classified as a Variant of Uncertain Significance. Algorithms developed to predict the effect of sequence changes on RNA splicing suggest that this variant may create or strengthen a splice site, but this prediction has not been confirmed by published transcriptional studies. Algorithms developed to predict the effect of missense changes on protein structure and function output the following: SIFT: "Tolerated"; PolyPhen-2: "Benign"; Align-GVGD: "Class C0". The glycine amino acid residue is found in multiple mammalian species, suggesting that this missense change does not adversely affect protein function. These predictions have not been confirmed by published functional studies and their clinical significance is uncertain. This variant has not been reported in the literature in individuals with CHEK2-related conditions. This variant is not present in population databases (ExAC no frequency). This sequence change replaces alanine with glycine at codon 402 of the CHEK2 protein (p.Ala402Gly). The alanine residue is moderately conserved and there is a small physicochemical difference between alanine and glycine.

NM_007194.4(CHEK2):c.1205C>G (p.Ala402Gly)

Gene: CHEK2 (checkpoint kinase 2; minus strand). Cytogenetic location: 22q12.1.
Variant type: single nucleotide variant.
Coding change: c.1205C>G on transcript NM_007194.4 (MANE Select); coding-DNA position 1205, C replaced by G.
Protein change: p.Ala402Gly; replaces alanine 402 with glycine.
Molecular consequence: missense variant.
Genome position (GRCh38, 1-based): chr22:28,695,764, G>C on the plus strand (C>G on the coding strand, the complement: CHEK2 is on the minus strand). VCF-style: chr22-28695764-G-C. GRCh37 (hg19) VCF-style: chr22-29091752-G-C.
Other names: c.1334C>G, p.Ala445Gly (NM_001005735.3); c.542C>G, p.Ala181Gly (NM_001257387.3); c.1004C>G, p.Ala335Gly (NM_001349956.3); c.1118C>G, p.Ala373Gly (NM_145862.3); short protein forms A181G, A335G, A373G, A402G, A445G.
Identifiers: ClinVar variation 1022578 (VCV001022578.9), dbSNP rs1175088679, ClinGen allele CA411096754.
Genomic context (GRCh38, chr22:28,695,764, plus strand): 5'-TCTTACCAGATAAAAAGAATAACTCCTAAACTCCAGCAGTCCACAGCACGGTTATACCCA[G>C]CAGTCCCAACAGAAACAAGAACTTCAGGCGCCAAGTAGGTGGGGGTTCCACATAAGGTTC-3'
Protein context (NP_009125.1, residues 392-412): APEVLVSVGT[Ala402Gly]GYNRAVDCWS